The following is an entry in ClinVar:

NM_000548.5(TSC2):c.-47_-30+2del

Genes: TSC2 (TSC complex subunit 2; plus strand), LOC130058210 (ATAC-STARR-seq lymphoblastoid silent region 7024; plus strand). Cytogenetic location: 16p13.3.
Variant type: Deletion.
Coding change: c.-47_-30+2del on transcript NM_000548.5 (MANE Select); 47 bases upstream of the start codon through the canonical splice donor site of the intron after 30 bases upstream of the start codon, 20 bases deleted (GCGGTGGCGCGGCGCGGGGT).
Molecular consequence: splice donor variant.
Genome position (GRCh38, 1-based): chr16:2,048,048-2,048,067, GCGGTGGCGCGGCGCGGGGT deleted. VCF-style (leftmost placement, unchanged base first): chr16-2048047-CGCGGTGGCGCGGCGCGGGGT-C. GRCh37 (hg19) VCF-style: chr16-2098048-CGCGGTGGCGCGGCGCGGGGT-C.
Other names: c.-1784_-1767+2del (NM_001406693.1); c.-47_-30+2del (NM_001406667.1, NM_001406668.1, NM_001114382.3 and 13 more transcripts); c.-863_-846+2del (NM_001406680.1, NM_001406683.1, NM_001406687.1); c.-1478_-1461+2del (NM_001406689.1, NM_001406690.1, NM_001406692.1 and 2 more transcripts); c.-1654_-1637+2del (NM_001406698.1); c.-1359_-1342+2del (NM_001406694.1, NM_001406695.1); c.-1466_-1449+2del (NM_001406696.1); c.-492_-475+2del (NM_001406681.1); and 3 more.
Identifiers: ClinVar variation 2707744 (VCV002707744.3), dbSNP rs2548336617, ClinGen allele CA2697549546.
Genomic context (GRCh38, chr16:2,048,047, plus strand): 5'-TTCCGGCGGCGTCCCGGGGCCAGGGGGGTGCGCCTTTCTCCGCGTCGGGGCGGCCCGGAG[CGCGGTGGCGCGGCGCGGGGT>C]AAGTGGCGGTCCCCACGGGGCAAGTGGCGGTCCCCACGGGGCAGCGGCCTAGAGAGGCGG-3'

ClinVar aggregate classification (germline): Uncertain significance (1 of 4 stars; one submission).

Conditions:
Tuberous sclerosis 2 (TSC2). Identifiers: Orphanet 805, MedGen C1860707, MONDO:0013199, OMIM 613254.

Submission:

Labcorp Genetics (formerly Invitae), Labcorp
Classification: Uncertain significance for Tuberous sclerosis 2. Last evaluated: 2024-04-17. Review status: criteria provided, single submitter. Criteria: Invitae Variant Classification Sherloc (09022015). Collection method: clinical testing. Allele origin: germline.
Comment: This variant occurs in a non-coding region of the TSC2 gene. It does not change the encoded amino acid sequence of the TSC2 protein. This variant is not present in population databases (gnomAD no frequency). This variant has not been reported in the literature in individuals affected with TSC2-related conditions. Experimental studies and prediction algorithms are not available or were not evaluated, and the functional significance of this variant is currently unknown. In summary, the available evidence is currently insufficient to determine the role of this variant in disease. Therefore, it has been classified as a Variant of Uncertain Significance.